The following is an entry in ClinVar:

NM_000142.5(FGFR3):c.1262G>A (p.Arg421Gln)

Gene: FGFR3 (fibroblast growth factor receptor 3; plus strand). Cytogenetic location: 4p16.3.
Variant type: single nucleotide variant.
Coding change: c.1262G>A on transcript NM_000142.5 (MANE Select); coding-DNA position 1262, G replaced by A.
Protein change: p.Arg421Gln; replaces arginine 421 with glutamine.
Molecular consequence: missense variant. On other transcripts: non-coding transcript variant (1), intron variant (1).
Genome position (GRCh38, 1-based): chr4:1,804,516, G>A. VCF-style: chr4-1804516-G-A. GRCh37 (hg19) VCF-style: chr4-1806243-G-A.
Other names: c.1262G>A (NM_000142.4); c.1268G>A, p.Arg423Gln (NM_001163213.2); c.1262G>A, p.Arg421Gln (NM_001354809.2, NM_001354810.2); c.931-308G>A (NM_022965.4); short protein forms R421Q, R423Q.
Identifiers: ClinVar variation 134403 (VCV000134403.7), dbSNP rs587778355, ClinGen allele CA159707.

ClinVar aggregate classification (germline): Uncertain significance. Review status: criteria provided, multiple submitters, no conflicts (2 of 4 stars). 4 submissions from 4 submitters: Uncertain significance (3). 1 of the submissions does not count toward it. Last evaluated 2026-07-07.

Conditions:
FGFR3-related chondrodysplasia. Identifiers: Orphanet 93420, MedGen C5681604, MONDO:0019685.
FGFR3-related disorder. Also called: FGFR3-related disorders.

Allele frequency attached by ClinVar (database versions not stated): gnomAD 0.00001; TOPMed 0.00001; ExAC 0.00002; gnomAD exomes 0.00002 and 0.00004.
gnomAD v4.1: 51 of 1,612,196 alleles (0.0032%); highest among the groups gnomAD compares: Non-Finnish European, 0.0034%; no homozygotes.

Submissions (4):

PreventionGenetics, part of Exact Sciences
Classification: Uncertain significance for FGFR3-related condition. Last evaluated: 2026-07-07. Review status: criteria provided, single submitter. Criteria: ACMG Guidelines, 2015. Collection method: clinical testing. Allele origin: germline.
Comment: The FGFR3 c.1262G>A variant is predicted to result in the amino acid substitution p.Arg421Gln. This variant was reported in an individual with prostate cancer (Table S5, Hayano et al. 2016. PubMed ID: 27701467) and was also reported as de novo in a cohort of individuals with autism (Table S1, Kaplanis et al. 2020. PubMed ID: 33057194; Supplementary Data 3, Zhou et al. 2022. PubMed ID: 35982159). This variant is reported in 0.019% of alleles in individuals of European (Finnish) descent in gnomAD. At this time, the clinical significance of this variant is uncertain due to the absence of conclusive functional and genetic evidence.

Genomenon, Inc
Classification: Uncertain significance for FGFR3-related chondrodysplasia. Last evaluated: 2026-06-23. Review status: criteria provided, single submitter. Criteria: Genomenon Sequence Variant Interpretation Standards - Updated. Collection method: curation. Allele origin: germline. Affected: no.
Comment: FGFR3 p.Arg421Gln (c.1262G>A) is a missense variant that changes the amino acid at codon 421 from Arginine to Glutamine. This variant has been reported in the published literature (PMID:38411226;35210354). It is absent or not present at a significant frequency in gnomAD. In silico models predict that this variant is possibly or probably damaging. In conclusion, we classify FGFR3 p.Arg421Gln (c.1262G>A) as a variant of uncertain significance.

Labcorp Genetics (formerly Invitae), Labcorp
Classification: Uncertain significance. Last evaluated: 2026-01-02. Review status: criteria provided, single submitter. Criteria: Invitae Variant Classification Sherloc (09022015). Collection method: clinical testing. Allele origin: germline.
Comment: This sequence change replaces arginine, which is basic and polar, with glutamine, which is neutral and polar, at codon 421 of the FGFR3 protein (p.Arg421Gln). This variant is present in population databases (rs587778355, gnomAD 0.02%). This variant has not been reported in the literature in individuals affected with FGFR3-related conditions. ClinVar contains an entry for this variant (Variation ID: 134403). Invitae Evidence Modeling of protein sequence and biophysical properties (such as structural, functional, and spatial information, amino acid conservation, physicochemical variation, residue mobility, and thermodynamic stability) has been performed for this missense variant. However, the output from this modeling did not meet the statistical confidence thresholds required to predict the impact of this variant on FGFR3 protein function. In summary, the available evidence is currently insufficient to determine the role of this variant in disease. Therefore, it has been classified as a Variant of Uncertain Significance.

ITMI
No classification provided. Condition: AllHighlyPenetrant. Last evaluated: 2013-09-19. Review status: no classification provided. Collection method: reference population. Allele origin: germline. Not counted in ClinVar's aggregate classification.
Comment: Please see associated publication for description of ethnicities

Literature cited by the submitters: PubMed 38411226 (cited by Genomenon, Inc); PubMed 35210354 (cited by Genomenon, Inc); PubMed 24728327 (cited by ITMI).